The following is an entry in ClinVar:

ClinVar aggregate classification (germline): Uncertain significance. Review status: criteria provided, multiple submitters, no conflicts (2 of 4 stars). 2 submissions from 2 submitters: Uncertain significance (2). Last evaluated 2026-06-22.

Conditions:
Hereditary cancer-predisposing syndrome. Also called: Tumor predisposition; Hereditary Cancer Syndrome; Hereditary neoplastic syndrome; Neoplastic Syndromes, Hereditary. Identifiers: Orphanet 140162, MedGen C0027672, MeSH D009386, MONDO:0015356.
Familial cancer of breast. Also called: Hereditary breast cancer; BREAST CANCER, FAMILIAL; hereditary breast carcinoma. Identifiers: Orphanet 227535, MedGen C0346153, MONDO:0016419, OMIM 114480. Disease mechanism: loss of function.

Submissions (2):

Ambry Genetics
Classification: Uncertain significance for Hereditary cancer-predisposing syndrome. Last evaluated: 2026-06-22. Review status: criteria provided, single submitter. Criteria: Ambry Variant Classification Scheme 2023. Collection method: clinical testing. Allele origin: germline.
Comment: The p.S76R variant (also known as c.226A>C), located in coding exon 3 of the BARD1 gene, results from an A to C substitution at nucleotide position 226. The serine at codon 76 is replaced by arginine, an amino acid with dissimilar properties. This amino acid position is conserved. In addition, this alteration is predicted to be tolerated by in silico analysis. Based on the available evidence, the clinical significance of this variant remains unclear.

Labcorp Genetics (formerly Invitae), Labcorp
Classification: Uncertain significance for Familial cancer of breast. Last evaluated: 2022-02-23. Review status: criteria provided, single submitter. Criteria: Invitae Variant Classification Sherloc (09022015). Collection method: clinical testing. Allele origin: germline.
Comment: Algorithms developed to predict the effect of missense changes on protein structure and function (SIFT, PolyPhen-2, Align-GVGD) all suggest that this variant is likely to be tolerated. This variant has not been reported in the literature in individuals affected with BARD1-related conditions. This variant is not present in population databases (gnomAD no frequency). This sequence change replaces serine, which is neutral and polar, with arginine, which is basic and polar, at codon 76 of the BARD1 protein (p.Ser76Arg). In summary, the available evidence is currently insufficient to determine the role of this variant in disease. Therefore, it has been classified as a Variant of Uncertain Significance.

NM_000465.4(BARD1):c.226A>C (p.Ser76Arg)

Gene: BARD1 (BRCA1 associated RING domain 1; minus strand). Cytogenetic location: 2q35.
Variant type: single nucleotide variant.
Coding change: c.226A>C on transcript NM_000465.4 (MANE Select); coding-DNA position 226, A replaced by C.
Protein change: p.Ser76Arg; replaces serine 76 with arginine.
Molecular consequence: missense variant. On other transcripts: non-coding transcript variant (1), intron variant (2).
Genome position (GRCh38, 1-based): chr2:214,792,435, T>G on the plus strand (A>C on the coding strand, the complement: BARD1 is on the minus strand). VCF-style: chr2-214792435-T-G. GRCh37 (hg19) VCF-style: chr2-215657159-T-G.
Other names: c.169A>C, p.Ser57Arg (NM_001282543.2); c.226A>C, p.Ser76Arg (NM_001282549.2); c.158+16977A>C (NM_001282548.2); c.215+4626A>C (NM_001282545.2); c.226A>C (NM_000465.2); short protein forms S57R, S76R.
Identifiers: ClinVar variation 2102445 (VCV002102445.5), dbSNP rs1695568169, ClinGen allele CA350461321.